The following is an entry in ClinVar:

NM_032119.4(ADGRV1):c.18625-1G>T

Gene: ADGRV1 (adhesion G protein-coupled receptor V1; plus strand). Cytogenetic location: 5q14.3.
Variant type: single nucleotide variant.
Coding change: c.18625-1G>T on transcript NM_032119.4 (MANE Select); the canonical splice acceptor site of the intron before coding-DNA position 18625, G replaced by T.
Molecular consequence: splice acceptor variant.
Genome position (GRCh38, 1-based): chr5:91,153,220, G>T. VCF-style: chr5-91153220-G-T. GRCh37 (hg19) VCF-style: chr5-90449037-G-T.
Identifiers: ClinVar variation 1978173 (VCV001978173.5), dbSNP rs774832185, ClinGen allele CA3342716.
Genomic context (GRCh38, chr5:91,153,220, plus strand): 5'-ATAGTGAATGTGTATGCATTCATATTATGGTTTCTTTTTCCCCCCATCCCAATCTAAAAA[G>T]GTGCCACCTGACTGGGAGAGAGCATCCTTCCAACAGGGCAGTCAGGCCAGCCCTGATTTA-3'

ClinVar aggregate classification (germline): Likely pathogenic (1 of 4 stars; one submission).

Allele frequency attached by ClinVar (database versions not stated): gnomAD exomes below 0.00001; ExAC 0.00001.
gnomAD v4.1: 2 of 1,601,512 alleles (0.00012%); highest among the groups gnomAD compares: Non-Finnish European, 0.00017%; no homozygotes.

Submission:

Labcorp Genetics (formerly Invitae), Labcorp
Classification: Likely pathogenic. Last evaluated: 2022-11-01. Review status: criteria provided, single submitter. Criteria: Invitae Variant Classification Sherloc (09022015). Collection method: clinical testing. Allele origin: germline.
Comment: This sequence change affects an acceptor splice site in intron 88 of the ADGRV1 gene. It is expected to disrupt RNA splicing. Variants that disrupt the donor or acceptor splice site typically lead to a loss of protein function (PMID: 16199547), and loss-of-function variants in ADGRV1 are known to be pathogenic (PMID: 19357117, 22135276, 22147658, 26226137, 30718709, 31047384, 32467589). In summary, the currently available evidence indicates that the variant is pathogenic, but additional data are needed to prove that conclusively. Therefore, this variant has been classified as Likely Pathogenic. Algorithms developed to predict the effect of sequence changes on RNA splicing suggest that this variant may disrupt the consensus splice site. This variant has not been reported in the literature in individuals affected with ADGRV1-related conditions. The frequency data for this variant in the population databases is considered unreliable, as metrics indicate poor data quality at this position in the gnomAD database.

Literature cited by the submitters: PubMed 16199547; PubMed 19357117; PubMed 22135276; PubMed 22147658; PubMed 26226137; PubMed 30718709; PubMed 31047384; PubMed 32467589.